The following is an entry in ClinVar:

NM_001267550.2(TTN):c.44338del (p.Thr14780fs)

Gene: TTN (titin; minus strand). Cytogenetic location: 2q31.2.
Variant type: Deletion.
Coding change: c.44338del on transcript NM_001267550.2 (MANE Select); coding-DNA position 44338, one base deleted (A; older notation c.44338delA).
Protein change: p.Thr14780fs; shifts the reading frame from threonine 14780.
Molecular consequence: frameshift variant.
Genome position (GRCh38, 1-based): chr2:178,629,387, T deleted on the plus strand (A on the coding strand, the reverse complement: TTN is on the minus strand); the first of 3 consecutive T bases (chr2:178,629,387-178,629,389); deleting any one gives the same sequence. VCF-style (leftmost placement, unchanged base first): chr2-178629386-GT-G. GRCh37 (hg19) VCF-style: chr2-179494113-GT-G.
Other names: c.36634delA (NM_133378.4); c.39415del, p.Thr13139fs (NM_001256850.1); c.44336delA, p.Thr14780Glnfs (NM_001267550.1); c.17143del, p.Thr5715fs (NM_003319.4); c.36634del, p.Thr12212fs (NM_133378.4); c.17518del, p.Thr5840fs (NM_133432.3); c.17719del, p.Thr5907fs (NM_133437.4); c.44338del (NM_001267550.1); short protein forms T12212fs, T13139fs, T14780fs, T5715fs, T5840fs, T5907fs.
Identifiers: ClinVar variation 2506080 (VCV002506080.5), dbSNP rs1219060764, ClinGen allele CA538091194.

ClinVar aggregate classification (germline): Likely pathogenic. Review status: criteria provided, multiple submitters, no conflicts (2 of 4 stars). 2 submissions from 2 submitters: Likely pathogenic (2). Last evaluated 2026-02-17.

Conditions:
Autosomal recessive limb-girdle muscular dystrophy type 2J (LGMDR10). Also called: Limb-girdle muscular dystrophy, type 2J; MUSCULAR DYSTROPHY, LIMB-GIRDLE, AUTOSOMAL RECESSIVE 10. Identifiers: Orphanet 140922, MedGen C1837342, MONDO:0012127, OMIM 608807.

Submissions (2):

GeneDx
Classification: Likely pathogenic. Last evaluated: 2026-02-17. Review status: criteria provided, single submitter. Criteria: GeneDx Variant Classification Process June 2021. Collection method: clinical testing. Allele origin: germline.
Comment: Frameshift variant predicted to result in protein truncation or nonsense mediated decay in a gene for which loss-of-function is a known mechanism of disease; Located in a specific region of the I-band within TTN for which truncating variants are significantly associated with autosomal dominant cardiomyopathy and also with autosomal recessive skeletal myopathies (PMID: 27625338, 27869827, 32778822); Not observed at significant frequency in large population cohorts (gnomAD); Has not been previously published as pathogenic or benign to our knowledge; This variant is associated with the following publications: (PMID: 27625338, 27869827, 32778822)

Women's Health and Genetics/Laboratory Corporation of America, LabCorp
Classification: Likely pathogenic for Autosomal recessive limb-girdle muscular dystrophy type 2J. Last evaluated: 2025-01-17. Review status: criteria provided, single submitter. Criteria: LabCorp Variant Classification Summary - May 2015. Collection method: clinical testing. Allele origin: germline.
Comment: Variant summary: TTN NM_133378:c.36634delA (p.Thr12212GlnfsX24) (also known as NM_001267550:c.44338delA (p.Thr14780GlnfsX24)) results in a premature termination codon, predicted to cause a truncation of the encoded protein or absence of the protein due to nonsense mediated decay, which are commonly known mechanisms for disease. Loss of function variants in all TTN bands are strongly associated with a spectrum of autosomal recessive titinopathies when exon expression (proportion spliced in, PSI, 1=complete expression) in skeletal muscle is >0.1 (PMID: 36977548, 39198997, 29598826, 32778822, 29691892, 33449170, 36977548, internal data). In contrast, loss of function variants in all TTN bands are only strongly associated with autosomal dominant TTN-related cardiomyopathies if located in exons constitutively expressed (PSI >0.9) in cardiac muscle, excluding extreme C-terminal exons 359-363 (PMID: 25589632, 31216868, 32964742, 34662387, 27869827, Shetty et al., Nat Cardiovasc Res 2024,, internal data). This variant has a maximum skeletal muscle PSI of 0.960 and a maximum cardiac muscle PSI of 1.000. The variant allele was found at a frequency of 4e-06 in 248382 control chromosomes. To our knowledge, no occurrence of c.36634delA in individuals affected with TTN-related conditions and no experimental evidence demonstrating its impact on protein function have been reported. ClinVar contains an entry for this variant (Variation ID: 2506080). Based on the evidence outlined above, the variant was classified as likely pathogenic for both autosomal dominant and autosomal recessive TTN-related conditions.